The following is an entry in ClinVar:

ClinVar aggregate classification (germline): Uncertain significance. Review status: criteria provided, multiple submitters, no conflicts (2 of 4 stars). 3 submissions from 3 submitters: Uncertain significance (3). Last evaluated 2026-07-21.

Conditions:
CBS-related disorder. Also called: CBS-related condition.
Classic homocystinuria. Also called: HOMOCYSTINURIA WITH OR WITHOUT RESPONSE TO PYRIDOXINE; Homocystinuria due to CBS deficiency; Cystathionine beta-synthase deficiency; CBS deficiency; Homocystinuria due to Cystathionine Beta-Synthase Deficiency. Identifiers: Orphanet 394, MedGen C0751202, MONDO:0009352, OMIM 236200.
HYPERHOMOCYSTEINEMIA, THROMBOTIC, CBS-RELATED. Identifiers: MedGen C3150344, OMIM 236200.

Submissions (3):

Myriad Genetics, Inc.
Classification: Uncertain significance for Classic homocystinuria. Last evaluated: 2026-07-21. Review status: criteria provided, single submitter. Criteria: Myriad Autosomal Dominant, Autosomal Recessive and X-Linked Classification Criteria (2023). Collection method: clinical testing. Allele origin: unknown.
Comment: NM_000071.2(CBS):c.323A>G(K108R) is a missense variant classified as a variant of uncertain significance in the context of homocystinuria, CBS-related. K108R has not been observed in cases with relevant disease. Relevant functional assessments of this variant are not available in the literature. K108R has not been observed in referenced population frequency databases. In summary, there is insufficient evidence to classify NM_000071.2(CBS):c.323A>G(K108R) as pathogenic or benign. Please note: this variant was assessed in the context of healthy population screening.

PreventionGenetics, part of Exact Sciences
Classification: Uncertain significance for CBS-related condition. Last evaluated: 2023-06-12. Review status: criteria provided, single submitter. Criteria: ACMG Guidelines, 2015. Collection method: clinical testing. Allele origin: germline.
Comment: The CBS c.323A>G variant is predicted to result in the amino acid substitution p.Lys108Arg. To our knowledge, this variant has not been reported in the literature or in a large population database, indicating this variant is rare. In silico prediction programs indicate that this variant may result in abnormal splicing (Alamut Visual Plus V1.6.1). A neighboring missense variant (p.Cys109Arg) has been associated with homocystinuria. At this time, the clinical significance of the c.323A>G (p.Lys108Arg) variant is uncertain due to the absence of conclusive functional and genetic evidence.

Labcorp Genetics (formerly Invitae), Labcorp
Classification: Uncertain significance for HYPERHOMOCYSTEINEMIA, THROMBOTIC, CBS-RELATED. Last evaluated: 2021-04-10. Review status: criteria provided, single submitter. Criteria: Invitae Variant Classification Sherloc (09022015). Collection method: clinical testing. Allele origin: germline.
Comment: Algorithms developed to predict the effect of missense changes on protein structure and function are either unavailable or do not agree on the potential impact of this missense change (SIFT: "Deleterious"; PolyPhen-2: "Probably Damaging"; Align-GVGD: "Class C0"). In summary, the available evidence is currently insufficient to determine the role of this variant in disease. Therefore, it has been classified as a Variant of Uncertain Significance. Algorithms developed to predict the effect of sequence changes on RNA splicing suggest that this variant may create or strengthen a splice site, but this prediction has not been confirmed by published transcriptional studies. This variant has not been reported in the literature in individuals with CBS-related conditions. This variant is not present in population databases (ExAC no frequency). This sequence change replaces lysine with arginine at codon 108 of the CBS protein (p.Lys108Arg). The lysine residue is highly conserved and there is a small physicochemical difference between lysine and arginine.

NM_000071.3(CBS):c.323A>G (p.Lys108Arg)

Gene: CBS (cystathionine beta-synthase; minus strand). Cytogenetic location: 21q22.3.
Variant type: single nucleotide variant.
Coding change: c.323A>G on transcript NM_000071.3 (MANE Select); coding-DNA position 323, A replaced by G.
Protein change: p.Lys108Arg; replaces lysine 108 with arginine.
Molecular consequence: missense variant.
Genome position (GRCh38, 1-based): chr21:43,066,371, T>C on the plus strand (A>G on the coding strand, the complement: CBS is on the minus strand). VCF-style: chr21-43066371-T-C. GRCh37 (hg19) VCF-style: chr21-44486481-T-C.
Other names: c.323A>G (NM_000071.2); c.323A>G, p.Lys108Arg (NM_001178008.3, NM_001178009.3, NM_001320298.2); c.8A>G, p.Lys3Arg (NM_001321072.1); short protein forms K108R, K3R.
Identifiers: ClinVar variation 1524772 (VCV001524772.9), dbSNP rs2146395442, ClinGen allele CA410601950.